The following is an entry in ClinVar:

ClinVar aggregate classification (germline): Uncertain significance (1 of 4 stars; one submission).

Conditions:
Hereditary cancer-predisposing syndrome. Also called: Neoplastic Syndromes, Hereditary; Tumor predisposition; Hereditary Cancer Syndrome; Hereditary neoplastic syndrome. Identifiers: Orphanet 140162, MedGen C0027672, MeSH D009386, MONDO:0015356.

Submission:

Ambry Genetics
Classification: Uncertain significance for Hereditary cancer-predisposing syndrome. Last evaluated: 2025-11-07. Review status: criteria provided, single submitter. Criteria: Ambry Variant Classification Scheme 2023. Collection method: clinical testing. Allele origin: germline.
Comment: The p.T56S variant (also known as c.166A>T), located in coding exon 2 of the FH gene, results from an A to T substitution at nucleotide position 166. The threonine at codon 56 is replaced by serine, an amino acid with similar properties. This amino acid position is conserved. In addition, this alteration is predicted to be deleterious by in silico analysis. Based on the available evidence, the clinical significance of this variant remains unclear.

NM_000143.4(FH):c.166A>T (p.Thr56Ser)

Gene: FH (fumarate hydratase; minus strand). Cytogenetic location: 1q43.
Variant type: single nucleotide variant.
Coding change: c.166A>T on transcript NM_000143.4 (MANE Select); coding-DNA position 166, A replaced by T.
Protein change: p.Thr56Ser; replaces threonine 56 with serine.
Molecular consequence: missense variant.
Genome position (GRCh38, 1-based): chr1:241,517,283, T>A on the plus strand (A>T on the coding strand, the complement: FH is on the minus strand). VCF-style: chr1-241517283-T-A. GRCh37 (hg19) VCF-style: chr1-241680583-T-A.
Other names: short protein forms T56S.
Identifiers: ClinVar variation 4642190 (VCV004642190.1).
Genomic context (GRCh38, chr1:241,517,283, plus strand): 5'-TAGATCTCACGGTCTGGGCGCCATAATACTTATCATTTGGCACCTTTAGTTCACCAAAGG[T>A]ATCATATTCTATCCGGAAGGAATTTTGGCTTGCCTAAAGACAAGAATACAACACTATTAC-3'
Protein context (NP_000134.2, residues 46-66): SQNSFRIEYD[Thr56Ser]FGELKVPNDK